The following is an entry in ClinVar:

ClinVar aggregate classification (germline): Benign. Review status: criteria provided, multiple submitters, no conflicts (2 of 4 stars). 6 submissions from 6 submitters: Benign (6). Last evaluated 2026-02-03.

Conditions:
Idiopathic generalized epilepsy. Also called: Generalised epilepsy; EIG. Identifiers: MedGen C0270850, MONDO:0005579, OMIM 600669.
Hyperaldosteronism, familial, type IV (HALD4). Also called: FH IV; ALDOSTERONISM, PRIMARY, AND HYPERTENSION. Identifiers: Orphanet 642671, MedGen C4310756, MONDO:0014875, OMIM 617027.

Allele frequency attached by ClinVar (database versions not stated): gnomAD exomes 0.03245 and 0.02395; gnomAD 0.05412 and 0.05368; 1000 Genomes Project 30x 0.07464; ExAC 0.07879; ESP Exome Variant Server 0.04935; TOPMed 0.05932; 1000 Genomes Project 0.07688.
gnomAD v4.1: 39,077 of 1,427,114 alleles (2.7%); highest among the groups gnomAD compares: African/African-American, 13%; 1,083 homozygotes.

Submissions (6):

Labcorp Genetics (formerly Invitae), Labcorp
Classification: Benign for Idiopathic generalized epilepsy; Hyperaldosteronism, familial, type IV. Last evaluated: 2026-02-03. Review status: criteria provided, single submitter. Criteria: Invitae Variant Classification Sherloc (09022015). Collection method: clinical testing. Allele origin: germline.

Athena Diagnostics
Classification: Benign. Last evaluated: 2025-10-16. Review status: criteria provided, single submitter. Criteria: Athena Diagnostics Criteria. Collection method: clinical testing. Allele origin: unknown.
Comment: The frequency of this variant in the general population is higher than would generally be expected for pathogenic variants in this gene.

Mayo Clinic Laboratories, Mayo Clinic
Classification: Benign. Last evaluated: 2022-03-09. Review status: criteria provided, single submitter. Criteria: ACMG Guidelines, 2015. Collection method: clinical testing. Allele origin: germline. Observed: 3 variant alleles.

GeneDx
Classification: Benign. Last evaluated: 2020-02-03. Review status: criteria provided, single submitter. Criteria: GeneDx Variant Classification Process June 2021. Collection method: clinical testing. Allele origin: germline. Affected: yes.
Comment: This variant is associated with the following publications: (PMID: 12891677)

Eurofins Ntd Llc (ga)
Classification: Benign. Last evaluated: 2013-07-17. Review status: criteria provided, single submitter. Criteria: EGL Classification Definitions 2015. Collection method: clinical testing. Allele origin: germline. Observed: 1 variant allele, 1 heterozygote.

Breakthrough Genomics
Classification: Benign. Review status: criteria provided, single submitter. Criteria: ACMG Guidelines, 2015. Collection method: not provided. Allele origin: germline. Inheritance: Autosomal dominant inheritance. Affected: yes.

Literature cited by the submitters: PubMed 12891677 (cited by Athena Diagnostics).

NM_021098.3(CACNA1H):c.6123T>C (p.Gly2041=)

Gene: CACNA1H (calcium voltage-gated channel subunit alpha1 H; plus strand). Cytogenetic location: 16p13.3.
Variant type: single nucleotide variant.
Coding change: c.6123T>C on transcript NM_021098.3 (MANE Select); coding-DNA position 6123, T replaced by C.
Protein change: p.Gly2041=; no amino-acid change (glycine 2041 retained).
Molecular consequence: synonymous variant.
Genome position (GRCh38, 1-based): chr16:1,220,055, T>C. VCF-style: chr16-1220055-T-C. GRCh37 (hg19) VCF-style: chr16-1270055-T-C.
Other names: p.Gly2041=; c.6105T>C, p.Gly2035= (NM_001005407.2).
Identifiers: ClinVar variation 96014 (VCV000096014.18), dbSNP rs3751889, ClinGen allele CA149151.